The following is an entry in ClinVar:

ClinVar aggregate classification (germline): Uncertain significance. Review status: criteria provided, multiple submitters, no conflicts (2 of 4 stars). 3 submissions from 3 submitters: Uncertain significance (3). Last evaluated 2025-08-22.

Conditions:
Inborn genetic diseases. Identifiers: MedGen C0950123, MeSH D030342.
Fanconi anemia (FA). Also called: Fanconi's anemia. Identifiers: Orphanet 84, MedGen C0015625, MeSH D005199, MONDO:0019391.

Allele frequency attached by ClinVar (database versions not stated): ExAC 0.00001; gnomAD 0.00001; gnomAD exomes 0.00001 and 0.00002; TOPMed 0.00001.
gnomAD v4.1: 25 of 1,613,988 alleles (0.0015%); highest among the groups gnomAD compares: Non-Finnish European, 0.0019%; no homozygotes.

Submissions (3):

Ambry Genetics
Classification: Uncertain significance for Inborn genetic diseases. Last evaluated: 2025-08-22. Review status: criteria provided, single submitter. Criteria: Ambry Variant Classification Scheme 2023. Collection method: clinical testing. Allele origin: germline.

Labcorp Genetics (formerly Invitae), Labcorp
Classification: Uncertain significance for Fanconi anemia. Last evaluated: 2023-08-10. Review status: criteria provided, single submitter. Criteria: Invitae Variant Classification Sherloc (09022015). Collection method: clinical testing. Allele origin: germline.
Comment: This sequence change replaces valine, which is neutral and non-polar, with methionine, which is neutral and non-polar, at codon 645 of the SLX4 protein (p.Val645Met). This variant is present in population databases (rs769084265, gnomAD 0.002%). This variant has not been reported in the literature in individuals affected with SLX4-related conditions. ClinVar contains an entry for this variant (Variation ID: 647592). Algorithms developed to predict the effect of missense changes on protein structure and function output the following: SIFT: "Not Available"; PolyPhen-2: "Benign"; Align-GVGD: "Not Available". The methionine amino acid residue is found in multiple mammalian species, which suggests that this missense change does not adversely affect protein function. In summary, the available evidence is currently insufficient to determine the role of this variant in disease. Therefore, it has been classified as a Variant of Uncertain Significance.

Breakthrough Genomics
Classification: Uncertain significance. Review status: criteria provided, single submitter. Criteria: ACMG Guidelines, 2015. Collection method: not provided. Allele origin: germline. Inheritance: Autosomal recessive inheritance. Affected: yes.

NM_032444.4(SLX4):c.1933G>A (p.Val645Met)

Gene: SLX4 (SLX4 structure-specific endonuclease subunit; minus strand). Cytogenetic location: 16p13.3.
Variant type: single nucleotide variant.
Coding change: c.1933G>A on transcript NM_032444.4 (MANE Select); coding-DNA position 1933, G replaced by A.
Protein change: p.Val645Met; replaces valine 645 with methionine.
Molecular consequence: missense variant.
Genome position (GRCh38, 1-based): chr16:3,595,685, C>T on the plus strand (G>A on the coding strand, the complement: SLX4 is on the minus strand). VCF-style: chr16-3595685-C-T. GRCh37 (hg19) VCF-style: chr16-3645686-C-T.
Other names: c.1933G>A (LRG_503t1); short protein forms V645M.
Identifiers: ClinVar variation 647592 (VCV000647592.10), dbSNP rs769084265, ClinGen allele CA7866358.